The following is an entry in ClinVar:

NM_001099274.3(TINF2):c.1062-18T>C

Gene: TINF2 (TERF1 interacting nuclear factor 2; minus strand). Cytogenetic location: 14q12.
Variant type: single nucleotide variant.
Coding change: c.1062-18T>C on transcript NM_001099274.3 (MANE Select); 18 bases into the intron before coding-DNA position 1062, T replaced by C.
Molecular consequence: intron variant. On other transcripts: 3 prime UTR variant (1).
Genome position (GRCh38, 1-based): chr14:24,240,348, A>G on the plus strand (T>C on the coding strand, the complement: TINF2 is on the minus strand). VCF-style: chr14-24240348-A-G. GRCh37 (hg19) VCF-style: chr14-24709554-A-G.
Other names: c.*67T>C (NM_012461.3); c.957-18T>C (NM_001363668.2).
Identifiers: ClinVar variation 1974557 (VCV001974557.5), dbSNP rs2502452981, ClinGen allele CA2575493625.

ClinVar aggregate classification (germline): Uncertain significance (1 of 4 stars; one submission).

Conditions:
Dyskeratosis congenita. Identifiers: Orphanet 1775, MedGen C0265965, MONDO:0015780.

Submission:

Labcorp Genetics (formerly Invitae), Labcorp
Classification: Uncertain significance for Dyskeratosis congenita. Last evaluated: 2022-03-17. Review status: criteria provided, single submitter. Criteria: Invitae Variant Classification Sherloc (09022015). Collection method: clinical testing. Allele origin: germline.
Comment: This sequence change falls in intron 6 of the TINF2 gene. It does not directly change the encoded amino acid sequence of the TINF2 protein. In summary, the available evidence is currently insufficient to determine the role of this variant in disease. Therefore, it has been classified as a Variant of Uncertain Significance. Algorithms developed to predict the effect of sequence changes on RNA splicing suggest that this variant may disrupt the consensus splice site. This variant has not been reported in the literature in individuals affected with TINF2-related conditions. This variant is not present in population databases (gnomAD no frequency).